The following is an entry in ClinVar:

ClinVar aggregate classification (germline): Likely benign (0 of 4 stars; one submission).

Conditions:
ZNF407-related disorder. Also called: ZNF407-related condition.

Allele frequency attached by ClinVar (database versions not stated): gnomAD exomes below 0.00001; ExAC 0.00001; gnomAD 0.00002; TOPMed 0.00003.
gnomAD v4.1: 4 of 1,613,894 alleles (0.00025%); highest among the groups gnomAD compares: African/African-American, 0.0053%; no homozygotes.

Submission:

PreventionGenetics, part of Exact Sciences
Classification: Likely benign for ZNF407-related condition. Last evaluated: 2021-12-16. Review status: no assertion criteria provided. Collection method: clinical testing. Allele origin: germline.
Comment: This variant is classified as likely benign based on ACMG/AMP sequence variant interpretation guidelines (Richards et al. 2015 PMID: 25741868, with internal and published modifications).

NM_017757.3(ZNF407):c.1479C>A (p.Thr493=)

Gene: ZNF407 (zinc finger protein 407; plus strand). Cytogenetic location: 18q22.3.
Variant type: single nucleotide variant.
Coding change: c.1479C>A on transcript NM_017757.3 (MANE Select); coding-DNA position 1479, C replaced by A.
Protein change: p.Thr493=; no amino-acid change (threonine 493 retained).
Molecular consequence: synonymous variant.
Genome position (GRCh38, 1-based): chr18:74,632,498, C>A. VCF-style: chr18-74632498-C-A. GRCh37 (hg19) VCF-style: chr18-72344454-C-A.
Other names: c.1479C>A, p.Thr493= (NM_001146189.1, NM_001146190.1, NM_001384475.1).
Identifiers: ClinVar variation 3054104 (VCV003054104.2), dbSNP rs774023666, ClinGen allele CA9000369.
Genomic context (GRCh38, chr18:74,632,498, plus strand): 5'-AGAATCAGTGCTGAAACACCTGGAAGCGTGCAGCAGTGTGCAGAGAGTGTGTGTGACTAC[C>A]TCAGAAACCCAGGAGGCAGAGCAGGGCCAGGGGAGTGCCCGTCCTCCGGACTCCGGGCTG-3'
Protein context (NP_060227.2, residues 483-503): CSSVQRVCVT[Thr493=]SETQEAEQGQ